The following is an entry in ClinVar:

ClinVar aggregate classification (germline): Uncertain significance. Review status: criteria provided, multiple submitters, no conflicts (2 of 4 stars). 2 submissions from 2 submitters: Uncertain significance (2). Last evaluated 2025-02-28.

Conditions:
Congenital brain dysgenesis due to glutamine synthetase deficiency (GLND). Also called: GLUTAMINE SYNTHASE DEFICIENCY, CONGENITAL SYSTEMIC. Identifiers: Orphanet 71278, MedGen C1864910, MONDO:0012393, OMIM 610015.

Allele frequency attached by ClinVar (database versions not stated): gnomAD 0.00001 and 0.00002; ESP Exome Variant Server 0.00008; ExAC 0.00001; TOPMed 0.00002; gnomAD exomes below 0.00001.

Submissions (2):

Labcorp Genetics (formerly Invitae), Labcorp
Classification: Uncertain significance for Congenital brain dysgenesis due to glutamine synthetase deficiency. Last evaluated: 2025-02-28. Review status: criteria provided, single submitter. Criteria: Invitae Variant Classification Sherloc (09022015). Collection method: clinical testing. Allele origin: germline.
Comment: This sequence change replaces arginine, which is basic and polar, with cysteine, which is neutral and slightly polar, at codon 90 of the GLUL protein (p.Arg90Cys). This variant is present in population databases (rs199746338, gnomAD 0.007%). This variant has not been reported in the literature in individuals affected with GLUL-related conditions. ClinVar contains an entry for this variant (Variation ID: 293947). Invitae Evidence Modeling of protein sequence and biophysical properties (such as structural, functional, and spatial information, amino acid conservation, physicochemical variation, residue mobility, and thermodynamic stability) indicates that this missense variant is not expected to disrupt GLUL protein function with a negative predictive value of 80%. In summary, the available evidence is currently insufficient to determine the role of this variant in disease. Therefore, it has been classified as a Variant of Uncertain Significance.

Illumina Laboratory Services, Illumina
Classification: Uncertain significance for Congenital brain dysgenesis due to glutamine synthetase deficiency. Last evaluated: 2018-01-12. Review status: criteria provided, single submitter. Criteria: ICSL Variant Classification Criteria 13 December 2019. Collection method: clinical testing. Allele origin: germline.

NM_001033044.4(GLUL):c.268C>T (p.Arg90Cys)

Gene: GLUL (glutamate-ammonia ligase; minus strand). Cytogenetic location: 1q25.3.
Variant type: single nucleotide variant.
Coding change: c.268C>T on transcript NM_001033044.4 (MANE Select); coding-DNA position 268, C replaced by T.
Protein change: p.Arg90Cys; replaces arginine 90 with cysteine.
Molecular consequence: missense variant.
Genome position (GRCh38, 1-based): chr1:182,387,191, G>A on the plus strand (C>T on the coding strand, the complement: GLUL is on the minus strand). VCF-style: chr1-182387191-G-A. GRCh37 (hg19) VCF-style: chr1-182356326-G-A.
Other names: c.268C>T, p.Arg90Cys (NM_001033056.4, NM_002065.7); short protein forms R90C.
Identifiers: ClinVar variation 293947 (VCV000293947.7), dbSNP rs199746338, ClinGen allele CA1277211.